The following is an entry in ClinVar:

ClinVar aggregate classification (germline): Uncertain significance. Review status: criteria provided, multiple submitters, no conflicts (2 of 4 stars). 2 submissions from 2 submitters: Uncertain significance (2). Last evaluated 2024-03-30.

Conditions:
Tuberous sclerosis 1 (TSC1). Identifiers: Orphanet 805, MedGen C1854465, MONDO:0008612, OMIM 191100.
Hereditary cancer-predisposing syndrome. Also called: Neoplastic Syndromes, Hereditary; Hereditary Cancer Syndrome; Tumor predisposition; Hereditary neoplastic syndrome. Identifiers: Orphanet 140162, MedGen C0027672, MeSH D009386, MONDO:0015356.

Submissions (2):

Ambry Genetics
Classification: Uncertain significance for Hereditary cancer-predisposing syndrome. Last evaluated: 2024-03-30. Review status: criteria provided, single submitter. Criteria: Ambry Variant Classification Scheme 2023. Collection method: clinical testing. Allele origin: germline.

Baylor Genetics
Classification: Uncertain significance for Tuberous sclerosis 1. Last evaluated: 2018-02-13. Review status: criteria provided, single submitter. Criteria: ACMG Guidelines, 2015. Collection method: clinical testing. Allele origin: paternal. Affected: yes.
Comment: This variant was determined to be of uncertain significance according to ACMG Guidelines, 2015 [PMID:25741868].

NM_000368.5(TSC1):c.2012G>T (p.Ser671Ile)

Gene: TSC1 (TSC complex subunit 1; minus strand). Cytogenetic location: 9q34.13.
Variant type: single nucleotide variant.
Coding change: c.2012G>T on transcript NM_000368.5 (MANE Select); coding-DNA position 2012, G replaced by T.
Protein change: p.Ser671Ile; replaces serine 671 with isoleucine.
Molecular consequence: missense variant.
Genome position (GRCh38, 1-based): chr9:132,904,440, C>A on the plus strand (G>T on the coding strand, the complement: TSC1 is on the minus strand). VCF-style: chr9-132904440-C-A. GRCh37 (hg19) VCF-style: chr9-135779827-C-A.
Other names: c.2009G>T, p.Ser670Ile (NM_001162426.2); c.1859G>T, p.Ser620Ile (NM_001162427.2); c.1649G>T, p.Ser550Ile (NM_001362177.2); short protein forms S620I, S670I, S550I, S671I.
Identifiers: ClinVar variation 1031535 (VCV001031535.2), dbSNP rs1845546239, ClinGen allele CA375361418.